The following is an entry in ClinVar:

NM_007294.4(BRCA1):c.5514G>C (p.Val1838=)

Gene: BRCA1 (BRCA1 DNA repair associated; minus strand). Cytogenetic location: 17q21.31.
Variant type: single nucleotide variant.
Coding change: c.5514G>C on transcript NM_007294.4 (MANE Select); coding-DNA position 5514, G replaced by C.
Protein change: p.Val1838=; no amino-acid change (valine 1838 retained).
Molecular consequence: synonymous variant. On other transcripts: 3 prime UTR variant (17).
Genome position (GRCh38, 1-based): chr17:43,045,756, C>G on the plus strand (G>C on the coding strand, the complement: BRCA1 is on the minus strand). VCF-style: chr17-43045756-C-G. GRCh37 (hg19) VCF-style: chr17-41197773-C-G.
Other names: c.5385G>C, p.Val1795= (NM_001407685.1, NM_001407686.1, NM_001407687.1 and 6 more transcripts); c.5382G>C, p.Val1794= (NM_001407690.1, NM_001407691.1); c.5373G>C, p.Val1791= (NM_001407692.1, NM_001407694.1, NM_001407695.1 and 12 more transcripts); c.5370G>C, p.Val1790= (NM_001407732.1, NM_001407733.1, NM_001407734.1 and 18 more transcripts); c.5367G>C, p.Val1789= (NM_001407838.1, NM_001407839.1, NM_001407841.1 and 12 more transcripts); c.*28G>C (NM_001407854.1, NM_001407858.1, NM_001407859.1 and 14 more transcripts); c.5313G>C, p.Val1771= (NM_001407862.1); c.5310G>C, p.Val1770= (NM_001407863.1); and 74 more.
Identifiers: ClinVar variation 864955 (VCV000864955.3), dbSNP rs786201248, ClinGen allele CA500142904.
Genomic context (GRCh38, chr17:43,045,756, plus strand): 5'-GATCTGGGGTATCAGGTAGGTGTCCAGCTCCTGGCACTGGTAGAGTGCTACACTGTCCAA[C>G]ACCCACTCTCGGGTCACCACAGGTGCCTCACACATCTGCCCAATTGCTGGAGACAGAGAA-3'
Protein context (NP_009225.1, residues 1828-1848): CEAPVVTREW[Val1838=]LDSVALYQCQ

Conditions:
Breast-ovarian cancer, familial, susceptibility to, 1 (BROVCA1). Also called: BRCA1 Hereditary Breast and Ovarian Cancer; OVARIAN CANCER, SUSCEPTIBILITY TO. Identifiers: Orphanet 145, MedGen C2676676, MONDO:0011450, OMIM 604370. Disease mechanism: loss of function.

Submission:

Brotman Baty Institute, University of Washington
No classification provided (evidence only). Condition: Breast-ovarian cancer, familial 1. Review status: no classification provided. Collection method: in vitro. Allele origin: not applicable. Functional consequence: functionally_normal.
ClinVar note: "not provided" was previously submitted as the classification for the variant. However, the classification appeared to be based only on an observation of functional data so it was converted to no classification on 2025-07-30.